The following is an entry in ClinVar:

NM_007272.3(CTRC):c.746C>T (p.Pro249Leu)

Gene: CTRC (chymotrypsin C; plus strand). Cytogenetic location: 1p36.21.
Variant type: single nucleotide variant.
Coding change: c.746C>T on transcript NM_007272.3 (MANE Select); coding-DNA position 746, C replaced by T.
Protein change: p.Pro249Leu; replaces proline 249 with leucine.
Molecular consequence: missense variant.
Genome position (GRCh38, 1-based): chr1:15,445,703, C>T. VCF-style: chr1-15445703-C-T. GRCh37 (hg19) VCF-style: chr1-15772198-C-T.
Other names: short protein forms P249L.
Identifiers: ClinVar variation 566014 (VCV000566014.21), dbSNP rs142560329, ClinGen allele CA613459.

ClinVar aggregate classification (germline): Conflicting classifications of pathogenicity. Review status: criteria provided, conflicting classifications (1 of 4 stars). 4 submissions from 4 submitters: Likely pathogenic (1); Uncertain significance (3). Last evaluated 2025-11-05.

Conditions:
Hereditary pancreatitis (PCTT). Also called: PRSS1-Related Hereditary Pancreatitis; Hereditary chronic pancreatitis. Identifiers: Orphanet 676, MedGen C0238339, MONDO:0008185, OMIM 167800.

Allele frequency attached by ClinVar (database versions not stated): gnomAD exomes 0.00010; ExAC 0.00013; gnomAD 0.00020 and 0.00022; TOPMed 0.00030; 1000 Genomes Project 0.00040; 1000 Genomes Project 30x 0.00047; ESP Exome Variant Server 0.00054.
gnomAD v4.1: 90 of 1,613,954 alleles (0.0056%); highest among the groups gnomAD compares: African/African-American, 0.088%; 1 homozygote.

Submissions (4):

Labcorp Genetics (formerly Invitae), Labcorp
Classification: Uncertain significance for Hereditary pancreatitis. Last evaluated: 2025-11-05. Review status: criteria provided, single submitter. Criteria: Invitae Variant Classification Sherloc (09022015). Collection method: clinical testing. Allele origin: germline.
Comment: This sequence change replaces proline, which is neutral and non-polar, with leucine, which is neutral and non-polar, at codon 249 of the CTRC protein (p.Pro249Leu). This variant is present in population databases (rs142560329, gnomAD 0.1%), and has an allele count higher than expected for a pathogenic variant. This missense change has been observed in individual(s) with pancreatitis (PMID: 18059268, 21631589, 22942235). ClinVar contains an entry for this variant (Variation ID: 566014). Invitae Evidence Modeling of protein sequence and biophysical properties (such as structural, functional, and spatial information, amino acid conservation, physicochemical variation, residue mobility, and thermodynamic stability) indicates that this missense variant is expected to disrupt CTRC protein function with a positive predictive value of 95%. Experimental studies have shown that this missense change affects CTRC function (PMID: 22942235). In summary, the available evidence is currently insufficient to determine the role of this variant in disease. Therefore, it has been classified as a Variant of Uncertain Significance.

Ambry Genetics
Classification: Uncertain significance for Hereditary pancreatitis. Last evaluated: 2024-11-08. Review status: criteria provided, single submitter. Criteria: Ambry Variant Classification Scheme 2023. Collection method: clinical testing. Allele origin: germline.
Comment: The p.P249L variant (also known as c.746C>T), located in coding exon 7 of the CTRC gene, results from a C to T substitution at nucleotide position 746. The proline at codon 249 is replaced by leucine, an amino acid with some similar properties. In a functional study, this variant was reported in 1 of 1708 affected individuals with chronic pancreatitis. This study also reported this variant showed very little enzyme activity and reduced protein levels (Beer et al. Gut. 2013; 62(11): 1616-24). In addition, this alteration results in substantial disruption of the core structure of CTRC (Ambry internal data). This amino acid position is highly conserved in available vertebrate species. In addition, this alteration is predicted to be deleterious by in silico analysis. Based on the available evidence, the clinical significance of this variant remains unclear.

ARUP Laboratories, Molecular Genetics and Genomics, ARUP Laboratories
Classification: Likely pathogenic for Hereditary pancreatitis. Last evaluated: 2024-10-09. Review status: criteria provided, single submitter. Criteria: ARUP Molecular Germline Variant Investigation Process 2024. Collection method: clinical testing. Allele origin: germline.
Comment: The CTRC c.746C>T; p.Pro249Leu variant (rs142560329) has been described in individuals with pancreatitis (Cho 2016, Rosendahl 2008) and is observed in the general population at an overall frequency of 0.011% (32/282744 alleles) in the Genome Aggregation Database. The proline at codon 249 is highly conserved and computational algorithms predict that this variant is deleterious (REVEL: 0.949). Additionally, in vitro functional studies of this variant protein demonstrate reduced expression and severe catalytic deficiency (Beer 2013). Based on available information, this variant is considered likely pathogenic. References: Beer S et al. Comprehensive functional analysis of chymotrypsin C (CTRC) variants reveals distinct loss-of-function mechanisms associated with pancreatitis risk. Gut. 2013 Nov;62(11):1616-24. PMID: 22942235 Cho S et al. PRSS1, SPINK1, CFTR, and CTRC Pathogenic Variants in Korean Patients With Idiopathic Pancreatitis. Ann Lab Med. 2016 Nov;36(6):555-60. PMID: 27578509 Rosendahl J et al. Chymotrypsin C (CTRC) variants that diminish activity or secretion are associated with chronic pancreatitis. Nat Genet. 2008 Jan;40(1):78-82. PMID: 18059268

Blueprint Genetics
Classification: Uncertain significance. Last evaluated: 2023-04-03. Review status: criteria provided, single submitter. Criteria: ACMG Guidelines, 2015. Collection method: clinical testing. Allele origin: germline.

Literature cited by the submitters: PubMed 18059268 (cited by Labcorp Genetics (formerly Invitae), Labcorp); PubMed 21631589 (cited by Labcorp Genetics (formerly Invitae), Labcorp); PubMed 22942235 (cited by Labcorp Genetics (formerly Invitae), Labcorp).